The following is an entry in ClinVar:

NM_032776.3(JMJD1C):c.848A>G (p.Asn283Ser)

Gene: JMJD1C (jumonji domain containing 1C; minus strand). Cytogenetic location: 10q21.3.
Variant type: single nucleotide variant.
Coding change: c.848A>G on transcript NM_032776.3 (MANE Select); coding-DNA position 848, A replaced by G.
Protein change: p.Asn283Ser; replaces asparagine 283 with serine.
Molecular consequence: missense variant. On other transcripts: 5 prime UTR variant (1), non-coding transcript variant (1).
Genome position (GRCh38, 1-based): chr10:63,215,430, T>C on the plus strand (A>G on the coding strand, the complement: JMJD1C is on the minus strand). VCF-style: chr10-63215430-T-C. GRCh37 (hg19) VCF-style: chr10-64975190-T-C.
Other names: c.302A>G, p.Asn101Ser (NM_001282948.2, NM_001318154.2); c.-17A>G (NM_001318153.2); c.734A>G, p.Asn245Ser (NM_001322252.2); c.191A>G, p.Asn64Ser (NM_001322254.2, NM_001322258.2); short protein forms N101S, N283S, N245S, N64S.
Identifiers: ClinVar variation 859850 (VCV000859850.9), dbSNP rs1243327144, ClinGen allele CA377051585.

ClinVar aggregate classification (germline): Uncertain significance (1 of 4 stars; one submission).

Conditions:
Early Myoclonic Encephalopathy. Identifiers: MedGen C0270855.

Allele frequency attached by ClinVar (database versions not stated): gnomAD exomes below 0.00001 and 0.00001; gnomAD 0.00001; TOPMed 0.00002.
gnomAD v4.1: 6 of 1,614,030 alleles (0.00037%); highest among the groups gnomAD compares: African/African-American, 0.0053%; no homozygotes.

Submission:

Labcorp Genetics (formerly Invitae), Labcorp
Classification: Uncertain significance for Early Myoclonic Encephalopathy. Last evaluated: 2019-03-28. Review status: criteria provided, single submitter. Criteria: Invitae Variant Classification Sherloc (09022015). Collection method: clinical testing. Allele origin: germline.
Comment: In summary, the available evidence is currently insufficient to determine the role of this variant in disease. Therefore, it has been classified as a Variant of Uncertain Significance. Algorithms developed to predict the effect of missense changes on protein structure and function output the following: SIFT: "Deleterious"; PolyPhen-2: "Benign"; Align-GVGD: "Class C0". The serine amino acid residue is found in multiple mammalian species, suggesting that this missense change does not adversely affect protein function. These predictions have not been confirmed by published functional studies and their clinical significance is uncertain. This variant has not been reported in the literature in individuals with JMJD1C-related conditions. This variant is not present in population databases (ExAC no frequency). This sequence change replaces asparagine with serine at codon 283 of the JMJD1C protein (p.Asn283Ser). The asparagine residue is moderately conserved and there is a small physicochemical difference between asparagine and serine.